The following is an entry in ClinVar:

NM_022051.3(EGLN1):c.1226G>A (p.Gly409Asp)

Gene: EGLN1 (egl-9 family hypoxia inducible factor 1; minus strand). Cytogenetic location: 1q42.2.
Variant type: single nucleotide variant.
Coding change: c.1226G>A on transcript NM_022051.3 (MANE Select); coding-DNA position 1226, G replaced by A.
Protein change: p.Gly409Asp; replaces glycine 409 with aspartic acid.
Molecular consequence: missense variant. On other transcripts: 3 prime UTR variant (2).
Genome position (GRCh38, 1-based): chr1:231,366,466, C>T on the plus strand (G>A on the coding strand, the complement: EGLN1 is on the minus strand). VCF-style: chr1-231366466-C-T. GRCh37 (hg19) VCF-style: chr1-231502212-C-T.
Other names: c.*6G>A (NM_001377260.1); c.*51G>A (NM_001377261.1); short protein forms G409D.
Identifiers: ClinVar variation 2626700 (VCV002626700.2), dbSNP rs2527215696, ClinGen allele CA345238498.

ClinVar aggregate classification (germline): Uncertain significance (1 of 4 stars; one submission).

Allele frequency attached by ClinVar (database versions not stated): gnomAD exomes below 0.00001.

Submission:

Ambry Genetics
Classification: Uncertain significance. Last evaluated: 2023-07-09. Review status: criteria provided, single submitter. Criteria: Ambry Variant Classification Scheme 2023. Collection method: clinical testing. Allele origin: germline.
Comment: The p.G409D variant (also known as c.1226G>A), located in coding exon 5 of the EGLN1 gene, results from a G to A substitution at nucleotide position 1226. The glycine at codon 409 is replaced by aspartic acid, an amino acid with similar properties. This amino acid position is conserved. In addition, this alteration is predicted to be deleterious by in silico analysis. Since supporting evidence is limited at this time, the clinical significance of this alteration remains unclear.